The following is an entry in ClinVar:

ClinVar aggregate classification (germline): Uncertain significance (1 of 4 stars; one submission).

Conditions:
Facioscapulohumeral muscular dystrophy 2 (FSHD2). Also called: MUSCULAR DYSTROPHY, FACIOSCAPULOHUMERAL, TYPE 1B; FACIOSCAPULOHUMERAL MUSCULAR DYSTROPHY 2, DIGENIC; FSHD2, DIGENIC. Identifiers: Orphanet 269, MedGen C1834671, MONDO:0008031, OMIM 158901.
Arrhinia with choanal atresia and microphthalmia syndrome. Also called: Arhinia, choanal atresia, and microphthalmia; Arrhinia-choanal atresia-microphthalmia syndrome; ARHINIA, CHOANAL ATRESIA, MICROPHTHALMIA, AND HYPOGONADOTROPIC HYPOGONADISM. Identifiers: Orphanet 1135, Orphanet 2250, MedGen C1863878, MONDO:0011323, OMIM 603457.

Submission:

Juno Genomics, Hangzhou Juno Genomics, Inc
Classification: Uncertain significance for Facioscapulohumeral muscular dystrophy 2; Arrhinia with choanal atresia and microphthalmia syndrome. Review status: criteria provided, single submitter. Criteria: ACMG Guidelines, 2015. Collection method: clinical testing. Allele origin: germline.
Comment: Absent from controls (or at extremely low frequency if recessive) in Genome Aggregation Database.;Missense variant in a gene that has a low rate of benign missense variation.

NM_015295.3(SMCHD1):c.3227A>G (p.Glu1076Gly)

Gene: SMCHD1 (structural maintenance of chromosomes flexible hinge domain containing 1; plus strand). Cytogenetic location: 18p11.32.
Variant type: single nucleotide variant.
Coding change: c.3227A>G on transcript NM_015295.3 (MANE Select); coding-DNA position 3227, A replaced by G.
Protein change: p.Glu1076Gly; replaces glutamic acid 1076 with glycine.
Molecular consequence: missense variant.
Genome position (GRCh38, 1-based): chr18:2,732,443, A>G. VCF-style: chr18-2732443-A-G. GRCh37 (hg19) VCF-style: chr18-2732441-A-G.
Other names: short protein forms E1076G.
Identifiers: ClinVar variation 5005876 (VCV005005876.2).